The following is an entry in ClinVar:

ClinVar aggregate classification (germline): Likely benign. Review status: reviewed by expert panel (3 of 4 stars). 4 submissions from 4 submitters: Likely benign (1). 3 of the submissions do not count toward it. Last evaluated 2017-06-29.

Conditions:
Hereditary breast ovarian cancer syndrome. Also called: Hereditary breast and ovarian cancer; Hereditary breast and ovarian cancer syndrome; Breast and ovarian cancer; Hereditary breast and ovarian cancer syndrome (HBOC); Hereditary breast and/or ovarian cancer syndrome; BRCA1- and BRCA2-Associated Hereditary Breast and Ovarian Cancer. Identifiers: Orphanet 145, MedGen C0677776, MeSH D061325, MONDO:0003582. Disease mechanism: loss of function.
Hereditary cancer-predisposing syndrome. Also called: Hereditary Cancer Syndrome; Neoplastic Syndromes, Hereditary; Tumor predisposition; Hereditary neoplastic syndrome. Identifiers: Orphanet 140162, MedGen C0027672, MeSH D009386, MONDO:0015356.
Breast-ovarian cancer, familial, susceptibility to, 2 (BROVCA2). Also called: BRCA2 Hereditary Breast and Ovarian Cancer. Identifiers: Orphanet 145, MedGen C2675520, MONDO:0012933, OMIM 612555. Disease mechanism: loss of function.

Allele frequency attached by ClinVar (database versions not stated): gnomAD exomes below 0.00001.
gnomAD v4.1: 1 of 1,607,280 alleles (0.000062%); highest among the groups gnomAD compares: Non-Finnish European, 0.000085%; no homozygotes.

Submissions (4):

Evidence-based Network for the Interpretation of Germline Mutant Alleles (ENIGMA)
Classification: Likely benign for Breast-ovarian cancer, familial, susceptibility to, 2. Last evaluated: 2017-06-29. Review status: reviewed by expert panel. Criteria: ENIGMA BRCA1/2 Classification Criteria (2017-06-29). Collection method: curation. Allele origin: germline.
Comment: Synonymous substitution variant, with low bioinformatic likelihood to result in a splicing aberration (Splicing prior probability 0.02).

Labcorp Genetics (formerly Invitae), Labcorp
Classification: Likely benign for Hereditary breast ovarian cancer syndrome. Last evaluated: 2024-06-09. Review status: criteria provided, single submitter. Criteria: Invitae Variant Classification Sherloc (09022015). Collection method: clinical testing. Allele origin: germline. Not counted in ClinVar's aggregate classification.

Color Diagnostics, LLC DBA Color Health
Classification: Likely benign for Hereditary cancer-predisposing syndrome. Last evaluated: 2021-05-18. Review status: criteria provided, single submitter. Criteria: ACMG Guidelines, 2015. Collection method: clinical testing. Allele origin: germline. Not counted in ClinVar's aggregate classification.

Ambry Genetics
Classification: Likely benign for Hereditary cancer-predisposing syndrome. Last evaluated: 2014-11-20. Review status: criteria provided, single submitter. Criteria: Ambry Variant Classification Scheme 2023. Collection method: clinical testing. Allele origin: germline. Not counted in ClinVar's aggregate classification.

NM_000059.4(BRCA2):c.3180C>T (p.Ser1060=)

Gene: BRCA2 (BRCA2 DNA repair associated; plus strand). Cytogenetic location: 13q13.1.
Variant type: single nucleotide variant.
Coding change: c.3180C>T on transcript NM_000059.4 (MANE Select); coding-DNA position 3180, C replaced by T.
Protein change: p.Ser1060=; no amino-acid change (serine 1060 retained).
Molecular consequence: synonymous variant.
Genome position (GRCh38, 1-based): chr13:32,337,535, C>T. VCF-style: chr13-32337535-C-T. GRCh37 (hg19) VCF-style: chr13-32911672-C-T.
Identifiers: ClinVar variation 187185 (VCV000187185.19), dbSNP rs786203536, ClinGen allele CA017480.